The following is an entry in ClinVar:

NM_020778.5(ALPK3):c.4724-203_4724-201del

Gene: ALPK3 (alpha kinase 3; plus strand). Cytogenetic location: 15q25.3.
Variant type: Microsatellite.
Coding change: c.4724-203_4724-201del on transcript NM_020778.5 (MANE Select); 203 bases into the intron before coding-DNA position 4724 through 201 bases into the intron before coding-DNA position 4724, 3 bases deleted (GTG; older notation c.4724-203_4724-201delGTG).
Molecular consequence: intron variant.
Genome position (GRCh38, 1-based): chr15:84,867,114-84,867,116, GTG deleted; deleting any 3 consecutive bases within chr15:84,867,109-84,867,116 gives the same sequence; the c. name uses the placement nearest the transcript's 3' end. VCF-style (leftmost placement, unchanged base first): chr15-84867108-CTGG-C. GRCh37 (hg19) VCF-style: chr15-85410339-CTGG-C.
Identifiers: ClinVar variation 679508 (VCV000679508.1), dbSNP rs148614333, ClinGen allele CA273634574.

ClinVar aggregate classification (germline): Likely benign (1 of 4 stars; one submission).

Submission:

GeneDx
Classification: Likely benign. Last evaluated: 2018-06-14. Review status: criteria provided, single submitter. Criteria: GeneDx Variant Classification (06012015). Collection method: clinical testing. Allele origin: germline. Affected: yes.
Comment: This variant is considered likely benign or benign based on one or more of the following criteria: it is a conservative change, it occurs at a poorly conserved position in the protein, it is predicted to be benign by multiple in silico algorithms, and/or has population frequency not consistent with disease.